The following is an entry in ClinVar:

ClinVar aggregate classification (germline): Pathogenic/Likely pathogenic. Review status: criteria provided, multiple submitters, no conflicts (2 of 4 stars). 10 submissions from 10 submitters: Pathogenic (6); Likely pathogenic (3). 1 of the submissions does not count toward it. Last evaluated 2026-08-25.

Conditions:
Monogenic hearing loss.
MYH9-related disorder. Identifiers: MedGen C1854520.
Macrothrombocytopenia and granulocyte inclusions with or without nephritis or sensorineural hearing loss (MATINS). Also called: MACROTHROMBOCYTOPENIA, NEPHRITIS, AND DEAFNESS; MACROTHROMBOCYTOPENIA, NEPHRITIS, DEAFNESS, AND LEUKOCYTE INCLUSIONS; ALPORT SYNDROME WITH MACROTHROMBOCYTOPENIA; MACROTHROMBOCYTOPENIA WITH LEUKOCYTE INCLUSIONS; Fechtner syndrome; Epstein syndrome. Identifiers: Orphanet 182050, MedGen C5200934, MONDO:0015912, OMIM 155100.
Autosomal dominant nonsyndromic hearing loss 17. Also called: Deafness, autosomal dominant 17; Autosomal dominant nonsyndromic deafness 17. Identifiers: Orphanet 90635, MedGen C1863659, MONDO:0011350, OMIM 603622.

Allele frequency attached by ClinVar (database versions not stated): gnomAD exomes below 0.00001.
gnomAD v4.1: 1 of 1,613,172 alleles (0.000062%); highest among the groups gnomAD compares: East Asian, 0.0022%; no homozygotes.

Submissions (10):

North West Genomic Laboratory Hub, Manchester University NHS Foundation Trust
Classification: Pathogenic for Monogenic hearing loss. Last evaluated: 2026-08-25. Review status: criteria provided, single submitter. Criteria: ACGS Best Practice Guidelines for Variant Classification in Rare Disease 2024. Collection method: clinical testing. Allele origin: germline. Affected: yes.
Comment: PM2_Mod PS4_Mod PP1_Str PP4_Supp PP3_Supp

Labcorp Genetics (formerly Invitae), Labcorp
Classification: Likely pathogenic. Last evaluated: 2025-12-15. Review status: criteria provided, single submitter. Criteria: Invitae Variant Classification Sherloc (09022015). Collection method: clinical testing. Allele origin: germline.
Comment: This sequence change replaces arginine, which is basic and polar, with tryptophan, which is neutral and slightly polar, at codon 718 of the MYH9 protein (p.Arg718Trp). This variant is present in population databases (no rsID available, gnomAD 0.006%). This missense change has been observed in individuals with clinical features of MYH9-related disorders (PMID: 18059020, 25077172, 28780565, 31562665, 32581362, 32604935). It has also been observed to segregate with disease in related individuals. ClinVar contains an entry for this variant (Variation ID: 623108). Invitae Evidence Modeling of protein sequence and biophysical properties (such as structural, functional, and spatial information, amino acid conservation, physicochemical variation, residue mobility, and thermodynamic stability) indicates that this missense variant is expected to disrupt MYH9 protein function with a positive predictive value of 80%. In summary, the currently available evidence indicates that the variant is pathogenic, but additional data are needed to prove that conclusively. Therefore, this variant has been classified as Likely Pathogenic.

PreventionGenetics, part of Exact Sciences
Classification: Pathogenic for MYH9-related condition. Last evaluated: 2025-12-09. Review status: criteria provided, single submitter. Criteria: ACMG Guidelines, 2015. Collection method: clinical testing. Allele origin: germline.
Comment: The MYH9 c.2152C>T variant is predicted to result in the amino acid substitution p.Arg718Trp. This variant has been reported to be causative for MYH9-related diseases (Pecci et al. 2008. PubMed ID: 18059020; Saposnik et al. 2014. PubMed ID: 25077172; Table S2, Sen et al. 2017. PubMed ID: 28780565; Tabibzadeh et al. 2019. PubMed ID: 31384440). This variant is reported in 0.0054% of alleles in individuals of East Asian descent in gnomAD. This variant is interpreted as pathogenic.

3billion
Classification: Pathogenic for Macrothrombocytopenia and granulocyte inclusions with or without nephritis or sensorineural hearing loss. Last evaluated: 2025-11-29. Review status: criteria provided, single submitter. Criteria: ACMG Guidelines, 2015. Collection method: clinical testing. Allele origin: germline. Affected: yes.
Comment: The variant is observed at an extremely low frequency in the gnomAD v4.1.0 dataset (total allele frequency: <0.001%). Predicted Consequence/Location: Missense variant. Missense changes are a common disease-causing mechanism. In silico tool predictions suggest damaging effect of the variant on gene or gene product [REVEL: 0.78 (>=0.6, sensitivity 0.68 and specificity 0.92)]. The same nucleotide change resulting in the same amino acid change has been previously reported as pathogenic/likely pathogenic with strong evidence (ClinVar ID: VCV000623108 /PMID: 18059020). The variant has been observed in at least two similarly affected unrelated individuals (PMID: 18059020, 32604935). Therefore, this variant is classified as Pathogenic according to the recommendation of ACMG/AMP guideline.

CeGaT Center for Human Genetics Tuebingen
Classification: Likely pathogenic. Last evaluated: 2025-07-01. Review status: criteria provided, single submitter. Criteria: CeGaT Center For Human Genetics Tuebingen Variant Classification Criteria Version 2. Collection method: clinical testing. Allele origin: germline. Affected: yes. Observed: 3 variant alleles.
Comment: MYH9: PS4, PM2, PP1, PP3

Fulgent Genetics
Classification: Likely pathogenic for Macrothrombocytopenia and granulocyte inclusions with or without nephritis or sensorineural hearing loss; Autosomal dominant nonsyndromic hearing loss 17. Last evaluated: 2024-02-08. Review status: criteria provided, single submitter. Criteria: ACMG Guidelines, 2015. Collection method: clinical testing. Allele origin: germline.

GeneDx
Classification: Pathogenic. Last evaluated: 2023-02-03. Review status: criteria provided, single submitter. Criteria: GeneDx Variant Classification Process June 2021. Collection method: clinical testing. Allele origin: germline. Affected: yes.
Comment: In silico analysis supports that this missense variant has a deleterious effect on protein structure/function; Not observed at significant frequency in large population cohorts (gnomAD); This variant is associated with the following publications: (PMID: 18059020, 24186861, 31243205, 25077172, 28780565, 30349881, 31384440, 32604935, 32581362, 21210153, 32516168)

NIHR Bioresource Rare Diseases, University of Cambridge
Classification: Pathogenic for MYH9-related disorder. Last evaluated: 2018-12-12. Review status: criteria provided, single submitter. Criteria: ACMG Guidelines, 2015. Collection method: research. Allele origin: unknown. Inheritance: Autosomal dominant inheritance. Affected: yes. Observed: 4 heterozygotes.
Comment: PS4, PM2, PP1_strong, PP4, PP3

Neuberg Centre For Genomic Medicine, NCGM
Classification: Pathogenic for Macrothrombocytopenia and granulocyte inclusions with or without nephritis or sensorineural hearing loss. Review status: criteria provided, single submitter. Criteria: ACMG Guidelines, 2015. Collection method: clinical testing. Allele origin: germline. Inheritance: Autosomal dominant inheritance. Affected: yes.
Comment: The missense variant c.2152C>T (p.Arg718Trp) in the MYH9 gene has been reported in heterozygous state in individuals affected with MYH9-related disorder (Bury L. et al., 2020). This variant is reported with the allele frequency (0.0004%) in the gnomAD and novel in 1000 genome database. It has been submitted to ClinVar as Pathogenic. The amino acid Arginine at position 718 is changed to a Tryptophan changing protein sequence and it might alter its composition and physico-chemical properties. The variant is predicted as conserved by GERP++ and PhyloP across 100 vertebrates. For these reasons, this variant has been classified as Pathogenic.

ISTH-SSC Genomics in Thrombosis and Hemostasis, KU Leuven, Center for Molecular and Vascular Biology
Classification: Pathogenic for Macrothrombocytopenia and granulocyte inclusions with or without nephritis or sensorineural hearing loss. Review status: no assertion criteria provided. Collection method: research. Allele origin: unknown. Affected: yes. Not counted in ClinVar's aggregate classification.
Comment: Submitted to GoldVariant by Neil Morgan from Birmingham Platelet Group, Birmingham, UK

Literature cited by the submitters: PubMed 18059020 (cited by Labcorp Genetics (formerly Invitae), Labcorp and 3billion); PubMed 25077172 (cited by Labcorp Genetics (formerly Invitae), Labcorp); PubMed 28780565 (cited by Labcorp Genetics (formerly Invitae), Labcorp); PubMed 31562665 (cited by Labcorp Genetics (formerly Invitae), Labcorp); PubMed 32581362 (cited by Labcorp Genetics (formerly Invitae), Labcorp); PubMed 32604935 (cited by Labcorp Genetics (formerly Invitae), Labcorp and 3billion).

NM_002473.6(MYH9):c.2152C>T (p.Arg718Trp)

Gene: MYH9 (myosin heavy chain 9; minus strand). Cytogenetic location: 22q12.3.
Variant type: single nucleotide variant.
Coding change: c.2152C>T on transcript NM_002473.6 (MANE Select); coding-DNA position 2152, C replaced by T.
Protein change: p.Arg718Trp; replaces arginine 718 with tryptophan.
Molecular consequence: missense variant.
Genome position (GRCh38, 1-based): chr22:36,305,937, G>A on the plus strand (C>T on the coding strand, the complement: MYH9 is on the minus strand). VCF-style: chr22-36305937-G-A. GRCh37 (hg19) VCF-style: chr22-36701983-G-A.
Other names: short protein forms R718W.
Identifiers: ClinVar variation 623108 (VCV000623108.43), dbSNP rs1184544985, ClinGen allele CA411397324.